The following is an entry in ClinVar:

NM_001556.3(IKBKB):c.1207C>T (p.Pro403Ser)

Gene: IKBKB (inhibitor of nuclear factor kappa B kinase subunit beta; plus strand). Cytogenetic location: 8p11.21.
Variant type: single nucleotide variant.
Coding change: c.1207C>T on transcript NM_001556.3 (MANE Select); coding-DNA position 1207, C replaced by T.
Protein change: p.Pro403Ser; replaces proline 403 with serine.
Molecular consequence: missense variant. On other transcripts: non-coding transcript variant (3).
Genome position (GRCh38, 1-based): chr8:42,317,738, C>T. VCF-style: chr8-42317738-C-T. GRCh37 (hg19) VCF-style: chr8-42175256-C-T.
Other names: c.1015C>T, p.Pro339Ser (NM_001190720.3); c.1030C>T, p.Pro344Ser (NM_001242778.2); short protein forms P339S, P344S, P403S.
Identifiers: ClinVar variation 3691379 (VCV003691379.2).

ClinVar aggregate classification (germline): Uncertain significance (1 of 4 stars; one submission).

Conditions:
Severe combined immunodeficiency due to IKK2 deficiency. Also called: Immunodeficiency 15; IMMUNODEFICIENCY 15B. Identifiers: Orphanet 397787, MedGen C4747743, MONDO:0014267, OMIM 615592.

Submission:

Labcorp Genetics (formerly Invitae), Labcorp
Classification: Uncertain significance for Severe combined immunodeficiency due to IKK2 deficiency. Last evaluated: 2024-12-05. Review status: criteria provided, single submitter. Criteria: Invitae Variant Classification Sherloc (09022015). Collection method: clinical testing. Allele origin: germline.
Comment: This sequence change replaces proline, which is neutral and non-polar, with serine, which is neutral and polar, at codon 403 of the IKBKB protein (p.Pro403Ser). This variant is not present in population databases (gnomAD no frequency). This variant has not been reported in the literature in individuals affected with IKBKB-related conditions. Invitae Evidence Modeling of protein sequence and biophysical properties (such as structural, functional, and spatial information, amino acid conservation, physicochemical variation, residue mobility, and thermodynamic stability) indicates that this missense variant is not expected to disrupt IKBKB protein function with a negative predictive value of 95%. In summary, the available evidence is currently insufficient to determine the role of this variant in disease. Therefore, it has been classified as a Variant of Uncertain Significance.